The following is an entry in ClinVar:

ClinVar aggregate classification (germline): Uncertain significance. Review status: criteria provided, multiple submitters, no conflicts (2 of 4 stars). 2 submissions from 2 submitters: Uncertain significance (2). Last evaluated 2026-07-12.

Conditions:
Hereditary cancer-predisposing syndrome. Also called: Neoplastic Syndromes, Hereditary; Hereditary Cancer Syndrome; Tumor predisposition; Hereditary neoplastic syndrome. Identifiers: Orphanet 140162, MedGen C0027672, MeSH D009386, MONDO:0015356.
Gastrointestinal stromal tumor. Also called: Gastrointestinal stromal tumor, somatic; Gastrointestinal stroma tumor. Identifiers: Orphanet 44890, MedGen C0238198, MeSH D046152, MONDO:0011719, OMIM 606764, HP:0100723.

Allele frequency attached by ClinVar (database versions not stated): gnomAD exomes below 0.00001.
gnomAD v4.1: 2 of 1,613,710 alleles (0.00012%); highest among the groups gnomAD compares: East Asian, 0.0045%; no homozygotes.

Submissions (2):

Ambry Genetics
Classification: Uncertain significance for Hereditary cancer-predisposing syndrome. Last evaluated: 2026-07-12. Review status: criteria provided, single submitter. Criteria: Ambry Variant Classification Scheme 2023. Collection method: clinical testing. Allele origin: germline.
Comment: The p.A700T variant (also known as c.2098G>A), located in coding exon 14 of the KIT gene, results from a G to A substitution at nucleotide position 2098. The alanine at codon 700 is replaced by threonine, an amino acid with similar properties. This amino acid position is conserved. In addition, this alteration is predicted to be tolerated by in silico analysis. Based on the available evidence, the clinical significance of this variant remains unclear.

Labcorp Genetics (formerly Invitae), Labcorp
Classification: Uncertain significance for Gastrointestinal stromal tumor. Last evaluated: 2019-06-06. Review status: criteria provided, single submitter. Criteria: Invitae Variant Classification Sherloc (09022015). Collection method: clinical testing. Allele origin: germline.
Comment: In summary, the available evidence is currently insufficient to determine the role of this variant in disease. Therefore, it has been classified as a Variant of Uncertain Significance. Algorithms developed to predict the effect of missense changes on protein structure and function output the following: SIFT: "Tolerated"; PolyPhen-2: "Benign"; Align-GVGD: "Class C0". The threonine amino acid residue is found in multiple mammalian species, suggesting that this missense change does not adversely affect protein function. These predictions have not been confirmed by published functional studies and their clinical significance is uncertain. This variant has not been reported in the literature in individuals with KIT-related conditions. This variant is not present in population databases (ExAC no frequency). This sequence change replaces alanine with threonine at codon 700 of the KIT protein (p.Ala700Thr). The alanine residue is moderately conserved and there is a small physicochemical difference between alanine and threonine.

NM_000222.3(KIT):c.2098G>A (p.Ala700Thr)

Gene: KIT (KIT proto-oncogene, receptor tyrosine kinase; plus strand). Cytogenetic location: 4q12.
Variant type: single nucleotide variant.
Coding change: c.2098G>A on transcript NM_000222.3 (MANE Select); coding-DNA position 2098, G replaced by A.
Protein change: p.Ala700Thr; replaces alanine 700 with threonine.
Molecular consequence: missense variant.
Genome position (GRCh38, 1-based): chr4:54,729,442, G>A. VCF-style: chr4-54729442-G-A. GRCh37 (hg19) VCF-style: chr4-55595608-G-A.
Other names: c.2086G>A, p.Ala696Thr (NM_001093772.2, NM_001385286.1); c.2101G>A, p.Ala701Thr (NM_001385284.1, NM_001385290.1); c.2098G>A, p.Ala700Thr (NM_001385285.1); c.2089G>A, p.Ala697Thr (NM_001385288.1, NM_001385292.1); short protein forms A700T, A696T, A697T, A701T.
Identifiers: ClinVar variation 949530 (VCV000949530.11), dbSNP rs1722446052, ClinGen allele CA356909740.